The following is an entry in ClinVar:

ClinVar aggregate classification (germline): Uncertain significance (1 of 4 stars; one submission).

Conditions:
Emery-Dreifuss muscular dystrophy 5, autosomal dominant (EDMD5). Also called: EMERY-DREIFUSS MUSCULAR DYSTROPHY 5. Identifiers: Orphanet 261, MedGen C2751805, MONDO:0013072, OMIM 612999.

Submission:

Labcorp Genetics (formerly Invitae), Labcorp
Classification: Uncertain significance for Emery-Dreifuss muscular dystrophy 5, autosomal dominant. Last evaluated: 2025-09-18. Review status: criteria provided, single submitter. Criteria: Invitae Variant Classification Sherloc (09022015). Collection method: clinical testing. Allele origin: germline.
Comment: This sequence change replaces serine, which is neutral and polar, with asparagine, which is neutral and polar, at codon 157 of the SYNE2 protein (p.Ser157Asn). This variant is not present in population databases (gnomAD no frequency). This variant has not been reported in the literature in individuals affected with SYNE2-related conditions. An algorithm developed to predict the effect of missense changes on protein structure and function outputs the following: PolyPhen-2: "Benign". The asparagine amino acid residue is found in multiple mammalian species, which suggests that this missense change does not adversely affect protein function. In summary, the available evidence is currently insufficient to determine the role of this variant in disease. Therefore, it has been classified as a Variant of Uncertain Significance.

NM_182914.3(SYNE2):c.470G>A (p.Ser157Asn)

Gene: SYNE2 (spectrin repeat containing nuclear envelope protein 2; plus strand). Cytogenetic location: 14q23.2.
Variant type: single nucleotide variant.
Coding change: c.470G>A on transcript NM_182914.3 (MANE Select); coding-DNA position 470, G replaced by A.
Protein change: p.Ser157Asn; replaces serine 157 with asparagine.
Molecular consequence: missense variant.
Genome position (GRCh38, 1-based): chr14:63,949,886, G>A. VCF-style: chr14-63949886-G-A. GRCh37 (hg19) VCF-style: chr14-64416604-G-A.
Other names: c.470G>A, p.Ser157Asn (NM_015180.6); short protein forms S157N.
Identifiers: ClinVar variation 4799108 (VCV004799108.1).